The following is an entry in ClinVar:

NM_144687.4(NLRP12):c.2663_2664del (p.Glu888fs)

Gene: NLRP12 (NLR family pyrin domain containing 12; minus strand). Cytogenetic location: 19q13.42.
Variant type: Microsatellite.
Coding change: c.2663_2664del on transcript NM_144687.4 (MANE Select); coding-DNA positions 2663 to 2664, 2 bases deleted (AG; older notation c.2663_2664delAG).
Protein change: p.Glu888fs; shifts the reading frame from glutamic acid 888.
Molecular consequence: frameshift variant.
Genome position (GRCh38, 1-based): chr19:53,801,319-53,801,320, CT deleted on the plus strand (AG on the coding strand, the reverse complement: NLRP12 is on the minus strand); deleting any 2 consecutive bases within chr19:53,801,319-53,801,325 gives the same sequence; the c. name uses the placement nearest the transcript's 3' end. VCF-style (leftmost placement, unchanged base first): chr19-53801318-GCT-G. GRCh37 (hg19) VCF-style: chr19-54304572-GCT-G.
Other names: c.2666_2667del, p.Glu889fs (NM_001277126.2); c.2663_2664del, p.Glu888fs (NM_001277129.1); short protein forms E889fs, E888fs.
Identifiers: ClinVar variation 1462853 (VCV001462853.6), dbSNP rs2091866608, ClinGen allele CA2580614962.
Genomic context (GRCh38, chr19:53,801,318, plus strand): 5'-TGAGGCCCTCACACAGCAGCAGCACCCCGAGGTCCCCCAGCTCATTCAGGCTCAGGTCCA[GCT>G]CTCTCAGGCTCTGGTTCACACTGAGAGTTGAGGCCAGCTCGTCACAGGCAGCAGCAGTGA-3'

ClinVar aggregate classification (germline): Uncertain significance (1 of 4 stars; one submission).

Conditions:
Familial cold autoinflammatory syndrome 2 (FCAS2). Identifiers: Orphanet 247868, MedGen C2673198, MONDO:0012724, OMIM 611762.

Submission:

Labcorp Genetics (formerly Invitae), Labcorp
Classification: Uncertain significance for Familial cold autoinflammatory syndrome 2. Last evaluated: 2021-01-08. Review status: criteria provided, single submitter. Criteria: Invitae Variant Classification Sherloc (09022015). Collection method: clinical testing. Allele origin: germline.
Comment: In summary, the available evidence is currently insufficient to determine the role of this variant in disease. Therefore, it has been classified as a Variant of Uncertain Significance. Experimental studies and prediction algorithms are not available or were not evaluated, and the functional significance of this variant is currently unknown. This variant has not been reported in the literature in individuals with NLRP12-related conditions. This variant is not present in population databases (ExAC no frequency). This sequence change creates a premature translational stop signal (p.Glu888Alafs*7) in the NLRP12 gene. It is expected to result in an absent or disrupted protein product. However, the current clinical and genetic evidence is not sufficient to establish whether loss-of-function variants in NLRP12 cause disease.